The following is an entry in ClinVar:

ClinVar aggregate classification (germline): Uncertain significance (0 of 4 stars; one submission).

Conditions:
VCAN-related disorder. Also called: VCAN-related condition.

Submission:

PreventionGenetics, part of Exact Sciences
Classification: Uncertain significance for VCAN-related condition. Last evaluated: 2024-05-02. Review status: no assertion criteria provided. Collection method: clinical testing. Allele origin: germline.
Comment: The VCAN c.8971G>A variant is predicted to result in the amino acid substitution p.Val2991Met. To our knowledge, this variant has not been reported in the literature or in a large population database, indicating this variant is rare. At this time, the clinical significance of this variant is uncertain due to the absence of conclusive functional and genetic evidence.

NM_004385.5(VCAN):c.8971G>A (p.Val2991Met)

Genes: VCAN (versican; plus strand), VCAN-AS1 (VCAN antisense RNA 1; minus strand). Cytogenetic location: 5q14.3.
Variant type: single nucleotide variant.
Coding change: c.8971G>A on transcript NM_004385.5 (MANE Select); coding-DNA position 8971, G replaced by A.
Protein change: p.Val2991Met; replaces valine 2991 with methionine.
Molecular consequence: missense variant. On other transcripts: intron variant (2).
Genome position (GRCh38, 1-based): chr5:83,541,974, G>A. VCF-style: chr5-83541974-G-A. GRCh37 (hg19) VCF-style: chr5-82837793-G-A.
Other names: c.6010G>A, p.Val2004Met (NM_001164097.2); c.4004-3563G>A (NM_001164098.2); c.1043-3563G>A (NM_001126336.3); short protein forms V2004M, V2991M.
Identifiers: ClinVar variation 3346955 (VCV003346955.1).
Genomic context (GRCh38, chr5:83,541,974, plus strand): 5'-GCTACACAGTGGCCACACTCTACTTCTGCTTCTGCCACCTATGGGGTCGAGGCAGGTGTG[G>A]TGCCTTGGCTAAGTCCACAGACTTCTGAGAGGCCCACGCTTTCTTCTTCTCCAGAAATAA-3'
Protein context (NP_004376.2, residues 2981-3001): SATYGVEAGV[Val2991Met]PWLSPQTSER